The following is an entry in ClinVar:

NM_001243133.2(NLRP3):c.309T>C (p.Thr103=)

Gene: NLRP3 (NLR family pyrin domain containing 3; plus strand). Cytogenetic location: 1q44.
Variant type: single nucleotide variant.
Coding change: c.309T>C on transcript NM_001243133.2 (MANE Select); coding-DNA position 309, T replaced by C.
Protein change: p.Thr103=; no amino-acid change (threonine 103 retained).
Molecular consequence: synonymous variant.
Genome position (GRCh38, 1-based): chr1:247,423,261, T>C. VCF-style: chr1-247423261-T-C. GRCh37 (hg19) VCF-style: chr1-247586563-T-C.
Other names: p.T105T:ACT>ACC; c.309T>C, p.Thr103= (NM_001079821.3, NM_001127461.3, NM_001127462.3 and 1 more transcripts); c.315T>C, p.Thr105= (NM_004895.5).
Identifiers: ClinVar variation 138527 (VCV000138527.40), dbSNP rs199822721, ClinGen allele CA292552.
Genomic context (GRCh38, chr1:247,423,261, plus strand): 5'-GGTTTTGACACCTTTTTTTTCCCTTTTAGGTTCAGATAATGCACGTGTTTCGAATCCCAC[T>C]GTGATATGCCAGGAAGACAGCATTGAAGAGGAGTGGATGGGTTTACTGGAGTACCTTTCG-3'
Protein context (NP_001230062.1, residues 93-113): GSDNARVSNP[Thr103=]VICQEDSIEE

ClinVar aggregate classification (germline): Benign/Likely benign. Review status: criteria provided, multiple submitters, no conflicts (2 of 4 stars). 6 submissions from 6 submitters: Benign (2); Likely benign (4). Last evaluated 2026-03-09.

Conditions:
Keratitis fugax hereditaria. Also called: KERATOENDOTHELIITIS FUGAX HEREDITARIA. Identifiers: Orphanet 647815, MedGen C1835697, MONDO:0007849, OMIM 148200.
Hearing loss, autosomal dominant 34, with or without inflammation. Also called: DEAFNESS, AUTOSOMAL DOMINANT 34, WITH OR WITHOUT INFLAMMATION. Identifiers: MedGen C4521680, MONDO:0033261, OMIM 617772.
Familial cold autoinflammatory syndrome 1 (FCAS1). Also called: Familial cold inflammatory syndrome 1; CRYOPYRIN-ASSOCIATED PERIODIC SYNDROME 1. Identifiers: Orphanet 47045, MedGen C4551895, MONDO:0007349, OMIM 120100.
Chronic infantile neurological, cutaneous and articular syndrome (CINCA). Also called: Prieur Griscelli syndrome; CRYOPYRIN-ASSOCIATED PERIODIC SYNDROME 3; CHRONIC NEUROLOGIC CUTANEOUS AND ARTICULAR SYNDROME; CINCA syndrome. Identifiers: Orphanet 1451, MedGen C0409818, MONDO:0011776, OMIM 607115.
Familial amyloid nephropathy with urticaria AND deafness (MWS). Also called: MUCKLE-WELLS SYNDROME; CRYOPYRIN-ASSOCIATED PERIODIC SYNDROME 2; UDA SYNDROME; URTICARIA-DEAFNESS-AMYLOIDOSIS SYNDROME; Urticaria, deafness and amyloidosis. Identifiers: Orphanet 575, MedGen C0268390, MONDO:0008633, OMIM 191900.
Cryopyrin associated periodic syndrome (CAPS). Identifiers: Orphanet 208650, MedGen C2316212, MONDO:0016168.

Allele frequency attached by ClinVar (database versions not stated): ExAC 0.00001; gnomAD exomes 0.00004 and 0.00006; gnomAD 0.00005; TOPMed 0.00008.
gnomAD v4.1: 93 of 1,614,026 alleles (0.0058%); highest among the groups gnomAD compares: Non-Finnish European, 0.0073%; no homozygotes.

Submissions (6):

Women's Health and Genetics/Laboratory Corporation of America, LabCorp
Classification: Benign. Last evaluated: 2026-03-09. Review status: criteria provided, single submitter. Criteria: LabCorp Variant Classification Summary - May 2015. Collection method: clinical testing. Allele origin: germline.

Labcorp Genetics (formerly Invitae), Labcorp
Classification: Likely benign for Cryopyrin associated periodic syndrome. Last evaluated: 2026-02-01. Review status: criteria provided, single submitter. Criteria: Invitae Variant Classification Sherloc (09022015). Collection method: clinical testing. Allele origin: germline.

Blueprint Genetics
Classification: Likely benign. Last evaluated: 2023-10-27. Review status: criteria provided, single submitter. Criteria: ACMG Guidelines, 2015. Collection method: clinical testing. Allele origin: germline.

CeGaT Center for Human Genetics Tuebingen
Classification: Likely benign. Last evaluated: 2023-04-01. Review status: criteria provided, single submitter. Criteria: CeGaT Center For Human Genetics Tuebingen Variant Classification Criteria Version 2. Collection method: clinical testing. Allele origin: germline. Affected: yes. Observed: 2 variant alleles.
Comment: NLRP3: BP4, BP7

Fulgent Genetics
Classification: Likely benign for Familial cold autoinflammatory syndrome 1; Keratitis fugax hereditaria; Familial amyloid nephropathy with urticaria AND deafness; Chronic infantile neurological, cutaneous and articular syndrome; Hearing loss, autosomal dominant 34, with or without inflammation. Last evaluated: 2021-10-29. Review status: criteria provided, single submitter. Criteria: ACMG Guidelines, 2015. Collection method: clinical testing. Allele origin: unknown.

GeneDx
Classification: Benign. Last evaluated: 2014-03-24. Review status: criteria provided, single submitter. Criteria: GeneDx Variant Classification (06012015). Collection method: clinical testing. Allele origin: germline. Affected: yes.
Comment: This variant is considered likely benign or benign based on one or more of the following criteria: it is a conservative change, it occurs at a poorly conserved position in the protein, it is predicted to be benign by multiple in silico algorithms, and/or has population frequency not consistent with disease.